The following is an entry in ClinVar:

NM_005720.4(ARPC1B):c.139G>A (p.Glu47Lys)

Gene: ARPC1B (actin related protein 2/3 complex subunit 1B; plus strand). Cytogenetic location: 7q22.1.
Variant type: single nucleotide variant.
Coding change: c.139G>A on transcript NM_005720.4 (MANE Select); coding-DNA position 139, G replaced by A.
Protein change: p.Glu47Lys; replaces glutamic acid 47 with lysine.
Molecular consequence: missense variant.
Genome position (GRCh38, 1-based): chr7:99,386,759, G>A. VCF-style: chr7-99386759-G-A. GRCh37 (hg19) VCF-style: chr7-98984382-G-A.
Other names: short protein forms E47K.
Identifiers: ClinVar variation 1956243 (VCV001956243.3), dbSNP rs779413485, ClinGen allele CA4363910.

ClinVar aggregate classification (germline): Uncertain significance (1 of 4 stars; one submission).

Allele frequency attached by ClinVar (database versions not stated): ExAC 0.00001; TOPMed 0.00001; gnomAD 0.00002.
gnomAD v4.1: 11 of 1,613,928 alleles (0.00068%); highest among the groups gnomAD compares: African/African-American, 0.004%; no homozygotes.

Submission:

Labcorp Genetics (formerly Invitae), Labcorp
Classification: Uncertain significance. Last evaluated: 2022-01-15. Review status: criteria provided, single submitter. Criteria: Invitae Variant Classification Sherloc (09022015). Collection method: clinical testing. Allele origin: germline.
Comment: This sequence change replaces glutamic acid, which is acidic and polar, with lysine, which is basic and polar, at codon 47 of the ARPC1B protein (p.Glu47Lys). The frequency data for this variant in the population databases is considered unreliable, as metrics indicate poor data quality at this position in the gnomAD database. In summary, the available evidence is currently insufficient to determine the role of this variant in disease. Therefore, it has been classified as a Variant of Uncertain Significance. Algorithms developed to predict the effect of missense changes on protein structure and function (SIFT, PolyPhen-2, Align-GVGD) all suggest that this variant is likely to be tolerated. This variant has not been reported in the literature in individuals affected with ARPC1B-related conditions.